The following is an entry in ClinVar:

ClinVar aggregate classification (germline): Likely benign. Review status: criteria provided, multiple submitters, no conflicts (2 of 4 stars). 2 submissions from 2 submitters: Likely benign (2). Last evaluated 2019-03-24.

Allele frequency attached by ClinVar (database versions not stated): gnomAD 0.00751 and 0.00831; TOPMed 0.00996; 1000 Genomes Project 0.01538; 1000 Genomes Project 30x 0.01671.
gnomAD v4.1: 5,534 of 784,406 alleles (0.71%); highest among the groups gnomAD compares: East Asian, 7.1%; 115 homozygotes.

Submissions (2):

GeneDx
Classification: Likely benign. Last evaluated: 2019-03-24. Review status: criteria provided, single submitter. Criteria: GeneDx Variant Classification Process June 2021. Collection method: clinical testing. Allele origin: germline. Affected: yes.
Comment: See Variant Classification Assertion Criteria.

Breakthrough Genomics
Classification: Likely benign. Review status: criteria provided, single submitter. Criteria: ACMG Guidelines, 2015. Collection method: not provided. Allele origin: germline. Inheritance: Autosomal dominant inheritance. Affected: yes.

NM_000484.2(APP):c.-156G>C

Gene: APP (amyloid beta precursor protein; minus strand). Cytogenetic location: 21q21.3.
Variant type: single nucleotide variant.
Coding change: c.-156G>C on transcript NM_000484.2; 156 bases upstream of the start codon, G replaced by C.
Molecular consequence: intron variant (on NM_001136131.3).
Genome position (GRCh38, 1-based): chr21:26,170,776, C>G on the plus strand (G>C on the coding strand, the complement: APP is on the minus strand). VCF-style: chr21-26170776-C-G. GRCh37 (hg19) VCF-style: chr21-27543094-C-G.
Other names: c.-49+209G>C (NM_001136131.3).
Identifiers: ClinVar variation 339655 (VCV000339655.9), dbSNP rs45476095, ClinGen allele CA10652864.